The following is an entry in ClinVar:

NM_016529.6(ATP8A2):c.481A>G (p.Met161Val)

Gene: ATP8A2 (ATPase phospholipid transporting 8A2). Cytogenetic location: 13q12.13.
Variant type: single nucleotide variant.
Coding change: c.481A>G on transcript NM_016529.6 (MANE Select); coding-DNA position 481, A replaced by G.
Protein change: p.Met161Val; replaces methionine 161 with valine.
Molecular consequence: missense variant.
Genome position (GRCh38, 1-based): chr13:25,533,287, A>G. VCF-style: chr13-25533287-A-G. GRCh37 (hg19) VCF-style: chr13-26107425-A-G.
Other names: c.361A>G, p.Met121Val (NM_001313741.1); c.481A>G, p.Met161Val (NM_001411005.1, NM_001411006.1); short protein forms M121V, M161V.
Identifiers: ClinVar variation 1715264 (VCV001715264.5), dbSNP rs1379792524, ClinGen allele CA387682661.
Genomic context (GRCh38, chr13:25,533,287, plus strand): 5'-AATTTAACACCAGTATTAACCAATATTTTATTTTTCTCTTTTTCAGTGTTAAGAAATGGT[A>G]TGTGGCATACCATTATGTGGAAAGAGGTAAAAACTAATTTTAAAGATGTACCAGTACTAT-3'
Protein context (NP_057613.4, residues 151-171): KKKTIVLRNG[Met161Val]WHTIMWKEVA

ClinVar aggregate classification (germline): Uncertain significance (1 of 4 stars; one submission).

Allele frequency attached by ClinVar (database versions not stated): gnomAD 0.00001.

Submission:

Labcorp Genetics (formerly Invitae), Labcorp
Classification: Uncertain significance. Last evaluated: 2022-12-28. Review status: criteria provided, single submitter. Criteria: Invitae Variant Classification Sherloc (09022015). Collection method: clinical testing. Allele origin: germline.
Comment: This sequence change replaces methionine, which is neutral and non-polar, with valine, which is neutral and non-polar, at codon 161 of the ATP8A2 protein (p.Met161Val). In summary, the available evidence is currently insufficient to determine the role of this variant in disease. Therefore, it has been classified as a Variant of Uncertain Significance. Advanced modeling of protein sequence and biophysical properties (such as structural, functional, and spatial information, amino acid conservation, physicochemical variation, residue mobility, and thermodynamic stability) performed at Invitae indicates that this missense variant is not expected to disrupt ATP8A2 protein function. ClinVar contains an entry for this variant (Variation ID: 1715264). This variant has not been reported in the literature in individuals affected with ATP8A2-related conditions. This variant is not present in population databases (gnomAD no frequency).